The following is an entry in ClinVar:

ClinVar aggregate classification (germline): Uncertain significance (1 of 4 stars; one submission).

Conditions:
Candidiasis, familial, 9 (CANDF9). Identifiers: Orphanet 1334, MedGen C4225324, MONDO:0014642, OMIM 616445.

Allele frequency attached by ClinVar (database versions not stated): gnomAD exomes below 0.00001 and 0.00001; ExAC 0.00001; gnomAD 0.00001; TOPMed 0.00001.
gnomAD v4.1: 3 of 1,614,002 alleles (0.00019%); highest among the groups gnomAD compares: South Asian, 0.0011%; no homozygotes.

Submission:

Labcorp Genetics (formerly Invitae), Labcorp
Classification: Uncertain significance for Candidiasis, familial, 9. Last evaluated: 2019-08-26. Review status: criteria provided, single submitter. Criteria: Invitae Variant Classification Sherloc (09022015). Collection method: clinical testing. Allele origin: germline.
Comment: In summary, the available evidence is currently insufficient to determine the role of this variant in disease. Therefore, it has been classified as a Variant of Uncertain Significance. Algorithms developed to predict the effect of missense changes on protein structure and function output the following: SIFT: "Tolerated"; PolyPhen-2: "Possibly Damaging"; Align-GVGD: "Class C0". The valine amino acid residue is found in multiple mammalian species, suggesting that this missense change does not adversely affect protein function. These predictions have not been confirmed by published functional studies and their clinical significance is uncertain. This variant has not been reported in the literature in individuals with IL17RC-related conditions. This variant is present in population databases (rs758141242, ExAC 0.02%). This sequence change replaces alanine with valine at codon 67 of the IL17RC protein (p.Ala67Val). The alanine residue is weakly conserved and there is a small physicochemical difference between alanine and valine.

NM_153460.4(IL17RC):c.105+95C>T

Gene: IL17RC (interleukin 17 receptor C; plus strand). Cytogenetic location: 3p25.3.
Variant type: single nucleotide variant.
Coding change: c.105+95C>T on transcript NM_153460.4 (MANE Select); 95 bases into the intron after coding-DNA position 105, C replaced by T.
Molecular consequence: intron variant. On other transcripts: missense variant (1).
Genome position (GRCh38, 1-based): chr3:9,917,515, C>T. VCF-style: chr3-9917515-C-T. GRCh37 (hg19) VCF-style: chr3-9959199-C-T.
Other names: c.200C>T, p.Ala67Val (NM_153461.4); c.105+95C>T (NM_001203263.2, NM_001203264.2, NM_001367278.1 and 4 more transcripts); short protein forms A67V.
Identifiers: ClinVar variation 943388 (VCV000943388.6), dbSNP rs758141242, ClinGen allele CA2246671.
Genomic context (GRCh38, chr3:9,917,515, plus strand): 5'-TCAGGGTTCAGTTTTTGGCTCAGCAAAGCCTTAGCCTGGCTCCTGTCACTGCTGCCACTG[C>T]CAGAACTGCCCTGTCTGGTCTGTCTGGTGCTGATGGTAGAAGAGAAGAACGGGGAAGGGG-3'